The following is an entry in ClinVar:

ClinVar aggregate classification (germline): Uncertain significance. Review status: criteria provided, multiple submitters, no conflicts (2 of 4 stars). 2 submissions from 2 submitters: Uncertain significance (2). Last evaluated 2021-08-31.

Conditions:
Glycogen storage disease IXb (GSD9B). Also called: GLYCOGENOSIS OF LIVER AND MUSCLE, AUTOSOMAL RECESSIVE; GSD IXb; PHOSPHORYLASE KINASE DEFICIENCY OF LIVER AND MUSCLE, AUTOSOMAL RECESSIVE. Identifiers: Orphanet 79240, MedGen C0543514, MONDO:0009868, OMIM 261750.

Allele frequency attached by ClinVar (database versions not stated): TOPMed below 0.00001; gnomAD 0.00001 and 0.00002; gnomAD exomes 0.00001.
gnomAD v4.1: 20 of 1,612,654 alleles (0.0012%); highest among the groups gnomAD compares: Admixed American, 0.0033%; no homozygotes.

Submissions (2):

Labcorp Genetics (formerly Invitae), Labcorp
Classification: Uncertain significance for Glycogen storage disease IXb. Last evaluated: 2021-08-31. Review status: criteria provided, single submitter. Criteria: Invitae Variant Classification Sherloc (09022015). Collection method: clinical testing. Allele origin: germline.
Comment: This sequence change replaces asparagine with aspartic acid at codon 632 of the PHKB protein (p.Asn632Asp). The asparagine residue is highly conserved and there is a small physicochemical difference between asparagine and aspartic acid. This variant is not present in population databases (ExAC no frequency). This variant has not been reported in the literature in individuals affected with PHKB-related conditions. ClinVar contains an entry for this variant (Variation ID: 1029778). Algorithms developed to predict the effect of missense changes on protein structure and function (SIFT, PolyPhen-2, Align-GVGD) all suggest that this variant is likely to be tolerated. In summary, the available evidence is currently insufficient to determine the role of this variant in disease. Therefore, it has been classified as a Variant of Uncertain Significance.

Baylor Genetics
Classification: Uncertain significance for Glycogen storage disease IXb. Last evaluated: 2019-10-02. Review status: criteria provided, single submitter. Criteria: ACMG Guidelines, 2015. Collection method: clinical testing. Allele origin: unknown. Affected: yes.
Comment: This variant was determined to be of uncertain significance according to ACMG Guidelines, 2015 [PMID:25741868].

NM_000293.3(PHKB):c.1894A>G (p.Asn632Asp)

Gene: PHKB (phosphorylase kinase regulatory subunit beta; plus strand). Cytogenetic location: 16q12.1.
Variant type: single nucleotide variant.
Coding change: c.1894A>G on transcript NM_000293.3 (MANE Select); coding-DNA position 1894, A replaced by G.
Protein change: p.Asn632Asp; replaces asparagine 632 with aspartic acid.
Molecular consequence: missense variant.
Genome position (GRCh38, 1-based): chr16:47,650,844, A>G. VCF-style: chr16-47650844-A-G. GRCh37 (hg19) VCF-style: chr16-47684755-A-G.
Other names: c.1873A>G, p.Asn625Asp (NM_001031835.3); c.1894A>G, p.Asn632Asp (NM_001363837.1); short protein forms N625D, N632D.
Identifiers: ClinVar variation 1029778 (VCV001029778.6), dbSNP rs530842640, ClinGen allele CA280210655.
Genomic context (GRCh38, chr16:47,650,844, plus strand): 5'-ACCATTCTGTTGTTAATCTGTACATTTTGTTTATTTATATTTTTTAGAGGTAGCCGGTTC[A>G]ACCCCATATTAGATATGCTGGCAGCCCTTAAAAAAGGAATAATTGGAGGAGTCAAAGTTC-3'
Protein context (NP_000284.1, residues 622-642): REDNIRGSRF[Asn632Asp]PILDMLAALK